The following is an entry in ClinVar:

NM_139057.4(ADAMTS17):c.442G>C (p.Gly148Arg)

Gene: ADAMTS17 (ADAM metallopeptidase with thrombospondin type 1 motif 17; minus strand). Cytogenetic location: 15q26.3.
Variant type: single nucleotide variant.
Coding change: c.442G>C on transcript NM_139057.4 (MANE Select); coding-DNA position 442, G replaced by C.
Protein change: p.Gly148Arg; replaces glycine 148 with arginine.
Molecular consequence: missense variant.
Genome position (GRCh38, 1-based): chr15:100,341,047, C>G on the plus strand (G>C on the coding strand, the complement: ADAMTS17 is on the minus strand). VCF-style: chr15-100341047-C-G. GRCh37 (hg19) VCF-style: chr15-100881252-C-G.
Other names: short protein forms G148R.
Identifiers: ClinVar variation 1720195 (VCV001720195.5), dbSNP rs2548992331, ClinGen allele CA394524499.

ClinVar aggregate classification (germline): Uncertain significance (1 of 4 stars; one submission).

Allele frequency attached by ClinVar (database versions not stated): gnomAD exomes below 0.00001.
gnomAD v4.1: 6 of 1,523,200 alleles (0.00039%); highest among the groups gnomAD compares: South Asian, 0.0036%; no homozygotes.

Submission:

Labcorp Genetics (formerly Invitae), Labcorp
Classification: Uncertain significance. Last evaluated: 2022-08-23. Review status: criteria provided, single submitter. Criteria: Invitae Variant Classification Sherloc (09022015). Collection method: clinical testing. Allele origin: germline.
Comment: This sequence change replaces glycine, which is neutral and non-polar, with arginine, which is basic and polar, at codon 148 of the ADAMTS17 protein (p.Gly148Arg). This variant is not present in population databases (gnomAD no frequency). This variant has not been reported in the literature in individuals affected with ADAMTS17-related conditions. Algorithms developed to predict the effect of missense changes on protein structure and function are either unavailable or do not agree on the potential impact of this missense change (SIFT: "Not Available"; PolyPhen-2: "Probably Damaging"; Align-GVGD: "Not Available"). In summary, the available evidence is currently insufficient to determine the role of this variant in disease. Therefore, it has been classified as a Variant of Uncertain Significance.